The following is an entry in ClinVar:

ClinVar aggregate classification (germline): Likely pathogenic (1 of 4 stars; one submission).

Conditions:
Kabuki syndrome 1 (KABUK1). Also called: KMT2D-Related Kabuki Syndrome. Identifiers: Orphanet 2322, MedGen CN030661, MONDO:0007843, OMIM 147920.

Submission:

3billion
Classification: Likely pathogenic for Kabuki syndrome 1. Last evaluated: 2022-03-22. Review status: criteria provided, single submitter. Criteria: ACMG Guidelines, 2015. Collection method: clinical testing. Allele origin: germline. Affected: yes. Observed: 1 heterozygote.
Comment: Frameshift: predicted to result in a loss or disruption of normal protein function through nonsense-mediated decay (NMD) or protein truncation. Multiple pathogenic variants are reported downstream of the variant.It is not observed in the gnomAD v2.1.1 dataset. Therefore, this variant is classified as likely pathogenic according to the recommendation of ACMG/AMP guideline.

NM_003482.4(KMT2D):c.12902_12903insA (p.Leu4302fs)

Gene: KMT2D (lysine methyltransferase 2D; minus strand). Cytogenetic location: 12q13.12.
Variant type: Insertion.
Coding change: c.12902_12903insA on transcript NM_003482.4 (MANE Select); coding-DNA positions 12902 to 12903, A inserted.
Protein change: p.Leu4302fs; shifts the reading frame from leucine 4302.
Molecular consequence: frameshift variant.
Genome position: GRCh38 VCF-style: chr12-49031802-G-GT. GRCh37 (hg19) VCF-style: chr12-49425585-G-GT.
Other names: short protein forms L4302fs.
Identifiers: ClinVar variation 1526084 (VCV001526084.1), dbSNP rs2120424870, ClinGen allele CA2573148696.